The following is an entry in ClinVar:

NM_015570.4(AUTS2):c.3465dup (p.His1156fs)

Gene: AUTS2 (activator of transcription and developmental regulator AUTS2; plus strand). Cytogenetic location: 7q11.22.
Variant type: Duplication.
Coding change: c.3465dup on transcript NM_015570.4 (MANE Select); coding-DNA position 3465, one base duplicated (G; older notation c.3465dupG).
Protein change: p.His1156fs; shifts the reading frame from histidine 1156.
Molecular consequence: frameshift variant.
Genome position (GRCh38, 1-based): chr7:70,790,681, G duplicated. VCF-style (leftmost placement, unchanged base first): chr7-70790680-T-TG. GRCh37 (hg19) VCF-style: chr7-70255666-T-TG.
Other names: c.3393dup, p.His1132fs (NM_001127231.3); short protein forms H1132fs, H1156fs.
Identifiers: ClinVar variation 3235780 (VCV003235780.1), dbSNP rs2484997310, ClinGen allele CA2825001569.

ClinVar aggregate classification (germline): Uncertain significance (1 of 4 stars; one submission).

Submission:

Greenwood Genetic Center Diagnostic Laboratories, Greenwood Genetic Center
Classification: Uncertain significance. Last evaluated: 2024-03-05. Review status: criteria provided, single submitter. Criteria: ACMG Guidelines, 2015. Collection method: clinical testing. Allele origin: germline. Affected: yes.
Comment: PM2